The following is an entry in ClinVar:

ClinVar aggregate classification (germline): Pathogenic (1 of 4 stars; one submission).

Submission:

Quest Diagnostics Nichols Institute San Juan Capistrano
Classification: Pathogenic. Last evaluated: 2024-04-09. Review status: criteria provided, single submitter. Criteria: ACMG/ClinGen CNV Guidelines, 2019. Collection method: clinical testing. Allele origin: unknown.
Comment: This copy number loss extends from low copy number repeats (LCRs) A to B and is consistent with proximal 22q11.2 deletion syndrome (ISCA-37433; OMIM 188400; McDonald-McGinn 2024). This syndrome has been referred to as velocardiofacial syndrome (OMIM 192430), and also historically as DiGeorge syndrome (OMIM 188400). Thus,this copy number loss is classified as pathogenic. References: McDonald-McGinn et al., GeneReviews. [2024 May 9]. PMID: 20301696

GRCh37/hg19 22q11.21(chr22:18916842-20716903)x1

Genes: ARVCF (ARVCF delta catenin family member; minus strand), C22orf39 (chromosome 22 open reading frame 39; minus strand), CDC45 (cell division cycle 45; plus strand), CLDN5 (claudin 5; minus strand), CLTCL1 (clathrin heavy chain like 1; minus strand) and 27 more. Cytogenetic location: 22q11.21.
Variant type: copy number loss.
Change: copy number 1 (one copy instead of two) of chr22:18,916,842-20,716,903 (1.80 Mb, GRCh37 coordinates, 1-based), cytogenetic band 22q11.21.
Identifiers: ClinVar variation 565027 (VCV000565027.2).